The following is an entry in ClinVar:

ClinVar aggregate classification (germline): Likely pathogenic (1 of 4 stars; one submission).

Submission:

Labcorp Genetics (formerly Invitae), Labcorp
Classification: Likely pathogenic. Last evaluated: 2022-06-08. Review status: criteria provided, single submitter. Criteria: Invitae Variant Classification Sherloc (09022015). Collection method: clinical testing. Allele origin: germline.
Comment: In summary, the currently available evidence indicates that the variant is pathogenic, but additional data are needed to prove that conclusively. Therefore, this variant has been classified as Likely Pathogenic. Experimental studies and prediction algorithms are not available or were not evaluated, and the functional significance of this variant is currently unknown. This variant has been observed in individual(s) with APRT deficiency (Invitae). In at least one individual the data is consistent with being in trans (on the opposite chromosome) from a pathogenic variant. It has also been observed to segregate with disease in related individuals. This variant is not present in population databases (gnomAD no frequency). This variant, c.484_486del, results in the deletion of 1 amino acid(s) of the APRT protein (p.Leu162del), but otherwise preserves the integrity of the reading frame.

NM_000485.3(APRT):c.484_486del (p.Leu162del)

Gene: APRT (adenine phosphoribosyltransferase; minus strand). Cytogenetic location: 16q24.3.
Variant type: Deletion.
Coding change: c.484_486del on transcript NM_000485.3 (MANE Select); coding-DNA positions 484 to 486, 3 bases deleted (CTT; older notation c.484_486delCTT).
Protein change: p.Leu162del; deletes leucine 162.
Molecular consequence: inframe deletion. On other transcripts: intron variant (1).
Genome position (GRCh38, 1-based): chr16:88,809,755-88,809,757, AAG deleted on the plus strand (CTT on the coding strand, the reverse complement: APRT is on the minus strand). VCF-style (leftmost placement, unchanged base first): chr16-88809754-TAAG-T. GRCh37 (hg19) VCF-style: chr16-88876162-TAAG-T.
Other names: c.401-51_401-49del (NM_001030018.2); short protein forms L162del.
Identifiers: ClinVar variation 1367702 (VCV001367702.8), dbSNP rs2142950877, ClinGen allele CA2573152851.
Genomic context (GRCh38, chr16:88,809,754, plus strand): 5'-GTGGTCACTCATACTGCAGGAGAGAGAAGAAGGGTACAGGTGCCAGCTTCTCCCTGCCCT[TAAG>T]CGAGGTCAGCTCCACCAGGCTCACGCACTCCAGGACCTCAGCCTGCAGGCGGCCCAGCAG-3'